The following is an entry in ClinVar:

NM_181426.2(CCDC39):c.1756del (p.Glu586fs)

Gene: CCDC39 (coiled-coil domain 39 molecular ruler complex subunit; minus strand). Cytogenetic location: 3q26.33.
Variant type: Deletion.
Coding change: c.1756del on transcript NM_181426.2 (MANE Select); coding-DNA position 1756, one base deleted (G; older notation c.1756delG).
Protein change: p.Glu586fs; shifts the reading frame from glutamic acid 586.
Molecular consequence: frameshift variant.
Genome position (GRCh38, 1-based): chr3:180,642,111, C deleted on the plus strand (G on the coding strand, the reverse complement: CCDC39 is on the minus strand). VCF-style (leftmost placement, unchanged base first): chr3-180642110-TC-T. GRCh37 (hg19) VCF-style: chr3-180359898-TC-T.
Other names: c.1756del (NM_181426.1); short protein forms E586fs.
Identifiers: ClinVar variation 573247 (VCV000573247.12), dbSNP rs1285431486, ClinGen allele CA548506968.

ClinVar aggregate classification (germline): Pathogenic (1 of 4 stars; one submission).

Conditions:
Primary ciliary dyskinesia. Also called: Ciliary dyskinesia. Identifiers: Orphanet 244, MedGen C0008780, MONDO:0016575, HP:0012265.

Allele frequency attached by ClinVar (database versions not stated): gnomAD exomes below 0.00001.

Submission:

Labcorp Genetics (formerly Invitae), Labcorp
Classification: Pathogenic for Primary ciliary dyskinesia. Last evaluated: 2024-01-17. Review status: criteria provided, single submitter. Criteria: Invitae Variant Classification Sherloc (09022015). Collection method: clinical testing. Allele origin: germline.
Comment: This sequence change creates a premature translational stop signal (p.Glu586Lysfs*29) in the CCDC39 gene. It is expected to result in an absent or disrupted protein product. Loss-of-function variants in CCDC39 are known to be pathogenic (PMID: 21131972, 23255504). This variant is present in population databases (no rsID available, gnomAD 0.003%). This premature translational stop signal has been observed in individual(s) with CCDC39-related disease. (PMID: 21131972, 23255504). ClinVar contains an entry for this variant (Variation ID: 573247). For these reasons, this variant has been classified as Pathogenic.

Literature cited by the submitters: PubMed 21131972; PubMed 23255504.